The following is an entry in ClinVar:

ClinVar aggregate classification (germline): Uncertain significance (1 of 4 stars; one submission).

Allele frequency attached by ClinVar (database versions not stated): TOPMed 0.00001; 1000 Genomes Project 0.00020; ExAC 0.00001; gnomAD 0.00001; 1000 Genomes Project 30x 0.00031.
gnomAD v4.1: 82 of 1,611,466 alleles (0.0051%); highest among the groups gnomAD compares: Non-Finnish European, 0.0069%; no homozygotes.

Submission:

Labcorp Genetics (formerly Invitae), Labcorp
Classification: Uncertain significance. Last evaluated: 2025-03-31. Review status: criteria provided, single submitter. Criteria: Invitae Variant Classification Sherloc (09022015). Collection method: clinical testing. Allele origin: germline.
Comment: This sequence change falls in intron 5 of the LHCGR gene. It does not directly change the encoded amino acid sequence of the LHCGR protein. This variant is present in population databases (rs186129492, gnomAD 0.002%). This variant has not been reported in the literature in individuals affected with LHCGR-related conditions. ClinVar contains an entry for this variant (Variation ID: 2963420). Algorithms developed to predict the effect of sequence changes on RNA splicing suggest that this variant may disrupt the consensus splice site. In summary, the available evidence is currently insufficient to determine the role of this variant in disease. Therefore, it has been classified as a Variant of Uncertain Significance.

NM_000233.4(LHCGR):c.458+7A>T

Genes: LHCGR (luteinizing hormone/choriogonadotropin receptor; minus strand), STON1-GTF2A1L (STON1-GTF2A1L readthrough; plus strand). Cytogenetic location: 2p16.3.
Variant type: single nucleotide variant.
Coding change: c.458+7A>T on transcript NM_000233.4 (MANE Select); 7 bases into the intron after coding-DNA position 458, A replaced by T.
Molecular consequence: intron variant.
Genome position (GRCh38, 1-based): chr2:48,723,615, T>A on the plus strand (A>T on the coding strand, the complement: LHCGR is on the minus strand). VCF-style: chr2-48723615-T-A. GRCh37 (hg19) VCF-style: chr2-48950754-T-A.
Other names: c.3441+51935T>A (NM_001198593.2).
Identifiers: ClinVar variation 2963420 (VCV002963420.3), dbSNP rs186129492, ClinGen allele CA1653317.